The following is an entry in ClinVar:

ClinVar aggregate classification (germline): Uncertain significance (1 of 4 stars; one submission).

Conditions:
Muscular dystrophy-dystroglycanopathy (congenital with brain and eye anomalies), type A14. Also called: Congenital Muscular Dystrophy-Dystroglycanopathy with Brain and Eye Anomalies Type A 14; Congenital muscular dystrophy-dystroglycanopathy with brain and eye anomalies, type A14; Muscular dystrophy-dystroglycanopathy (congenital with brain and eye anomalies), type a, 14; WALKER-WARBURG SYNDROME OR MUSCLE-EYE-BRAIN DISEASE, GMPPB-RELATED. Identifiers: Orphanet 588, MedGen C3809216, MONDO:0014140, OMIM 615350.
Muscular dystrophy-dystroglycanopathy (congenital with impaired intellectual development), type B, 14. Also called: Congenital muscular dystrophy-dystroglycanopathy with mental retardation, type B14; MUSCULAR DYSTROPHY, CONGENITAL, GMPPB-RELATED; Muscular dystrophy-dystroglycanopathy (congenital with intellectual disability), type B14. Identifiers: MedGen C3809221, MONDO:0014141, OMIM 615351.
Autosomal recessive limb-girdle muscular dystrophy type 2T. Also called: Limb-girdle muscular dystrophy-dystroglycanopathy, type C14; Muscular dystrophy-dystroglycanopathy (limb-girdle), type c, 14; MUSCULAR DYSTROPHY-DYSTROGLYCANOPATHY, LIMB-GIRDLE, GMPPB-RELATED; MUSCULAR DYSTROPHY, LIMB-GIRDLE, TYPE 2T. Identifiers: Orphanet 363623, MedGen C4518000, MONDO:0014142, OMIM 615352.

Submission:

Labcorp Genetics (formerly Invitae), Labcorp
Classification: Uncertain significance for Autosomal recessive limb-girdle muscular dystrophy type 2T; Muscular dystrophy-dystroglycanopathy (congenital with brain and eye anomalies), type A14; Muscular dystrophy-dystroglycanopathy (congenital with impaired intellectual development), type B, 14. Last evaluated: 2022-07-15. Review status: criteria provided, single submitter. Criteria: Invitae Variant Classification Sherloc (09022015). Collection method: clinical testing. Allele origin: germline.
Comment: ClinVar contains an entry for this variant (Variation ID: 541074). This variant has not been reported in the literature in individuals affected with GMPPB-related conditions. This variant is not present in population databases (gnomAD no frequency). In summary, the available evidence is currently insufficient to determine the role of this variant in disease. Therefore, it has been classified as a Variant of Uncertain Significance. Advanced modeling of protein sequence and biophysical properties (such as structural, functional, and spatial information, amino acid conservation, physicochemical variation, residue mobility, and thermodynamic stability) performed at Invitae indicates that this missense variant is not expected to disrupt GMPPB protein function. This sequence change replaces tyrosine, which is neutral and polar, with histidine, which is basic and polar, at codon 337 of the GMPPB protein (p.Tyr337His).

NM_021971.4(GMPPB):c.1009T>C (p.Tyr337His)

Gene: GMPPB (GDP-mannose pyrophosphorylase B; minus strand). Cytogenetic location: 3p21.31.
Variant type: single nucleotide variant.
Coding change: c.1009T>C on transcript NM_021971.4 (MANE Select); coding-DNA position 1009, T replaced by C.
Protein change: p.Tyr337His; replaces tyrosine 337 with histidine.
Molecular consequence: missense variant.
Genome position (GRCh38, 1-based): chr3:49,721,826, A>G on the plus strand (T>C on the coding strand, the complement: GMPPB is on the minus strand). VCF-style: chr3-49721826-A-G. GRCh37 (hg19) VCF-style: chr3-49759259-A-G.
Other names: c.1090T>C, p.Tyr364His (NM_013334.4); short protein forms Y337H, Y364H.
Identifiers: ClinVar variation 541074 (VCV000541074.6), dbSNP rs1553691683, ClinGen allele CA352826125.